The following is an entry in ClinVar:

ClinVar aggregate classification (germline): Benign/Likely benign. Review status: criteria provided, multiple submitters, no conflicts (2 of 4 stars). 7 submissions from 7 submitters: Benign (2); Likely benign (4). 1 of the submissions does not count toward it. Last evaluated 2026-06-10.

Conditions:
TSC1-related disorder. Also called: TSC1-related condition.
Hereditary cancer-predisposing syndrome. Also called: Hereditary Cancer Syndrome; Tumor predisposition; Hereditary neoplastic syndrome; Neoplastic Syndromes, Hereditary. Identifiers: Orphanet 140162, MedGen C0027672, MeSH D009386, MONDO:0015356.
Tuberous sclerosis syndrome (TSC). Also called: Tuberous Sclerosis Complex; Tuberous sclerosis. Identifiers: Orphanet 805, MedGen C0041341, MONDO:0001734.
Tuberous sclerosis 1 (TSC1). Identifiers: Orphanet 805, MedGen C1854465, MONDO:0008612, OMIM 191100.

Allele frequency attached by ClinVar (database versions not stated): TOPMed below 0.00001; ExAC 0.00001; gnomAD exomes 0.00001.
gnomAD v4.1: 3 of 1,614,044 alleles (0.00019%); highest among the groups gnomAD compares: Admixed American, 0.005%; no homozygotes.

Submissions (7):

Ambry Genetics
Classification: Likely benign for Hereditary cancer-predisposing syndrome. Last evaluated: 2026-06-10. Review status: criteria provided, single submitter. Criteria: Ambry Variant Classification Scheme 2023. Collection method: clinical testing. Allele origin: germline.

Labcorp Genetics (formerly Invitae), Labcorp
Classification: Likely benign for Tuberous sclerosis 1. Last evaluated: 2025-11-23. Review status: criteria provided, single submitter. Criteria: Invitae Variant Classification Sherloc (09022015). Collection method: clinical testing. Allele origin: germline.

Myriad Genetics, Inc.
Classification: Benign for Tuberous sclerosis 1. Last evaluated: 2025-04-07. Review status: criteria provided, single submitter. Criteria: Myriad Autosomal Dominant, Autosomal Recessive and X-Linked Classification Criteria (2023). Collection method: clinical testing. Allele origin: unknown.
Comment: This variant is considered benign. This variant is a silent/synonymous amino acid change and it is not expected to impact splicing.

All of Us Research Program, National Institutes of Health
Classification: Benign for Tuberous sclerosis syndrome. Last evaluated: 2024-01-11. Review status: criteria provided, single submitter. Criteria: ACMG Guidelines, 2015. Collection method: clinical testing. Allele origin: germline. Inheritance: Autosomal dominant inheritance. Observed: 5 variant alleles, 5 heterozygotes.
Comment: This study involves interpretation of variants in research participants for the purpose of population health screening. Participant phenotype was not available at the time of variant classification. Additional details can be found in publication PMID: 35346344, PMCID: PMC8962531

Genome-Nilou Lab
Classification: Likely benign for Tuberous sclerosis 1. Last evaluated: 2021-11-07. Review status: criteria provided, single submitter. Criteria: ACMG Guidelines, 2015. Collection method: clinical testing. Allele origin: germline. Affected: no.

GeneDx
Classification: Likely benign. Last evaluated: 2016-11-18. Review status: criteria provided, single submitter. Criteria: GeneDx Variant Classification (06012015). Collection method: clinical testing. Allele origin: germline. Affected: yes.
Comment: This variant is considered likely benign or benign based on one or more of the following criteria: it is a conservative change, it occurs at a poorly conserved position in the protein, it is predicted to be benign by multiple in silico algorithms, and/or has population frequency not consistent with disease.

PreventionGenetics, part of Exact Sciences
Classification: Likely benign for TSC1-related condition. Last evaluated: 2022-06-23. Review status: no assertion criteria provided. Collection method: clinical testing. Allele origin: germline. Not counted in ClinVar's aggregate classification.
Comment: This variant is classified as likely benign based on ACMG/AMP sequence variant interpretation guidelines (Richards et al. 2015 PMID: 25741868, with internal and published modifications).

NM_000368.5(TSC1):c.181C>T (p.Leu61=)

Gene: TSC1 (TSC complex subunit 1; minus strand). Cytogenetic location: 9q34.13.
Variant type: single nucleotide variant.
Coding change: c.181C>T on transcript NM_000368.5 (MANE Select); coding-DNA position 181, C replaced by T.
Protein change: p.Leu61=; no amino-acid change (leucine 61 retained).
Molecular consequence: synonymous variant. On other transcripts: intron variant (1).
Genome position (GRCh38, 1-based): chr9:132,927,230, G>A on the plus strand (C>T on the coding strand, the complement: TSC1 is on the minus strand). VCF-style: chr9-132927230-G-A. GRCh37 (hg19) VCF-style: chr9-135802617-G-A.
Other names: c.181C>T, p.Leu61= (NM_001162426.2, NM_001162427.2); c.-153-1491C>T (NM_001362177.2).
Identifiers: ClinVar variation 384251 (VCV000384251.21), dbSNP rs752047592, ClinGen allele CA029929.
Genomic context (GRCh38, chr9:132,927,230, plus strand): 5'-TATGAAATGCCTATGATATTTCAGCCATTACCTTGTCATGTGGCTCTTGCAAGGTGGTCA[G>A]GATGTGCAATGCCGGCTGAGAGCTGGTTTCCAGGTAATAATCCACCAAGGTGTTTACAAG-3'
Protein context (NP_000359.1, residues 51-71): ETSSQPALHI[Leu61=]TTLQEPHDKH